The following is an entry in ClinVar:

NM_194302.4(CFAP65):c.3602+1G>T

Gene: CFAP65 (cilia and flagella associated protein 65; minus strand). Cytogenetic location: 2q35.
Variant type: single nucleotide variant.
Coding change: c.3602+1G>T on transcript NM_194302.4 (MANE Select); the canonical splice donor site of the intron after coding-DNA position 3602, G replaced by T.
Molecular consequence: splice donor variant.
Genome position (GRCh38, 1-based): chr2:219,019,050, C>A on the plus strand (G>T on the coding strand, the complement: CFAP65 is on the minus strand). VCF-style: chr2-219019050-C-A. GRCh37 (hg19) VCF-style: chr2-219883772-C-A.
Identifiers: ClinVar variation 2160780 (VCV002160780.1), dbSNP rs141745438, ClinGen allele CA2115270.

ClinVar aggregate classification (germline): Likely pathogenic (1 of 4 stars; one submission).

Allele frequency attached by ClinVar (database versions not stated): gnomAD exomes 0.00001; ExAC 0.00003; gnomAD 0.00003; TOPMed 0.00003; ESP Exome Variant Server 0.00023.
gnomAD v4.1: 24 of 1,614,114 alleles (0.0015%); highest among the groups gnomAD compares: Non-Finnish European, 0.0017%; no homozygotes.

Submission:

Labcorp Genetics (formerly Invitae), Labcorp
Classification: Likely pathogenic. Last evaluated: 2022-06-28. Review status: criteria provided, single submitter. Criteria: Invitae Variant Classification Sherloc (09022015). Collection method: clinical testing. Allele origin: germline.
Comment: This sequence change affects a donor splice site in intron 21 of the CFAP65 gene. It is expected to disrupt RNA splicing. Variants that disrupt the donor or acceptor splice site typically lead to a loss of protein function (PMID: 16199547), and loss-of-function variants in CFAP65 are known to be pathogenic (PMID: 31413122, 31501240). This variant is present in population databases (rs141745438, gnomAD 0.005%). This variant has not been reported in the literature in individuals affected with CFAP65-related conditions. Algorithms developed to predict the effect of sequence changes on RNA splicing suggest that this variant may disrupt the consensus splice site. In summary, the currently available evidence indicates that the variant is pathogenic, but additional data are needed to prove that conclusively. Therefore, this variant has been classified as Likely Pathogenic.

Literature cited by the submitters: PubMed 16199547; PubMed 31413122; PubMed 31501240.